The following is an entry in ClinVar:

ClinVar aggregate classification (germline): Pathogenic (1 of 4 stars; one submission).

Allele frequency attached by ClinVar (database versions not stated): TOPMed 0.00001; gnomAD 0.00002.
gnomAD v4.1: 10 of 1,613,634 alleles (0.00062%); highest among the groups gnomAD compares: Non-Finnish European, 0.00085%; no homozygotes.

Submission:

Labcorp Genetics (formerly Invitae), Labcorp
Classification: Pathogenic. Last evaluated: 2025-08-15. Review status: criteria provided, single submitter. Criteria: Invitae Variant Classification Sherloc (09022015). Collection method: clinical testing. Allele origin: germline.
Comment: This sequence change creates a premature translational stop signal (p.Tyr374*) in the ABHD12 gene. While this is not anticipated to result in nonsense mediated decay, it is expected to disrupt the last 25 amino acid(s) of the ABHD12 protein. This variant is not present in population databases (gnomAD no frequency). This variant has not been reported in the literature in individuals affected with ABHD12-related conditions. ClinVar contains an entry for this variant (Variation ID: 1380411). Algorithms developed to predict the effect of sequence changes on RNA splicing suggest that this variant may disrupt the consensus splice site. This variant disrupts a region of the ABHD12 protein in which other variant(s) (p.Lys377*) have been determined to be pathogenic (PMID: 24027063). This suggests that this is a clinically significant region of the protein, and that variants that disrupt it are likely to be disease-causing. For these reasons, this variant has been classified as Pathogenic.

Literature cited by the submitters: PubMed 24027063.

NM_001042472.3(ABHD12):c.1122C>A (p.Tyr374Ter)

Gene: ABHD12 (abhydrolase domain containing 12, lysophospholipase; minus strand). Cytogenetic location: 20p11.21.
Variant type: single nucleotide variant.
Coding change: c.1122C>A on transcript NM_001042472.3 (MANE Select); coding-DNA position 1122, C replaced by A.
Protein change: p.Tyr374Ter; replaces tyrosine 374 with a stop codon.
Molecular consequence: nonsense.
Genome position (GRCh38, 1-based): chr20:25,302,254, G>T on the plus strand (C>A on the coding strand, the complement: ABHD12 is on the minus strand). VCF-style: chr20-25302254-G-T. GRCh37 (hg19) VCF-style: chr20-25282890-G-T.
Other names: c.1122C>A, p.Tyr374Ter (NM_015600.5); short protein forms Y374*.
Identifiers: ClinVar variation 1380411 (VCV001380411.6), dbSNP rs757643586, ClinGen allele CA313712854.
Genomic context (GRCh38, chr20:25,302,254, plus strand): 5'-CCTGGGTGGGAAGAGAATGTCTCACCTCAGTATCCGTGGCAGCTCAGGGCTCTTGTAAAT[G>T]TATTTGTGCCTGTAGCCAAGGTCTGAATGAAAGGGCACAAACTGAACTTTGAAATCTCGG-3'